The following is an entry in ClinVar:

NM_006662.3(SRCAP):c.4351G>A (p.Ala1451Thr)

Gene: SRCAP (Snf2 related CREBBP activator protein; plus strand). Cytogenetic location: 16p11.2.
Variant type: single nucleotide variant.
Coding change: c.4351G>A on transcript NM_006662.3 (MANE Select); coding-DNA position 4351, G replaced by A.
Protein change: p.Ala1451Thr; replaces alanine 1451 with threonine.
Molecular consequence: missense variant.
Genome position (GRCh38, 1-based): chr16:30,723,775, G>A. VCF-style: chr16-30723775-G-A. GRCh37 (hg19) VCF-style: chr16-30735096-G-A.
Other names: short protein forms A1451T.
Identifiers: ClinVar variation 3580143 (VCV003580143.2).
Genomic context (GRCh38, chr16:30,723,775, plus strand): 5'-GTCTCAGTTCCATTGTCATCTTCACTCCCCATCTCTGTCCCCACCACACTTCCTGCCCCA[G>A]CCTCGGCTCCACTCACCATCCCCATCTCAGCCCCCTTGACTGTTTCTGCTTCGGGCCCAG-3'
Protein context (NP_006653.2, residues 1441-1461): ISVPTTLPAP[Ala1451Thr]SAPLTIPISA

ClinVar aggregate classification (germline): Uncertain significance. Review status: criteria provided, multiple submitters, no conflicts (2 of 4 stars). 2 submissions from 2 submitters: Uncertain significance (2). Last evaluated 2025-09-15.

Conditions:
Developmental delay, hypotonia, musculoskeletal defects, and behavioral abnormalities. Identifiers: MedGen C5562012, MONDO:0859202, OMIM 619595.
Floating-Harbor syndrome (FLHS). Also called: SRCAP-Related Floating-Harbor Syndrome; Short stature with delayed bone age, expressive language delay, a triangular face with a prominent nose and deep-set eyes; Pelletier-Leisti syndrome. Identifiers: Orphanet 2044, MedGen C0729582, MONDO:0007621, OMIM 136140.

gnomAD v4.1: 12 of 1,613,776 alleles (0.00074%); highest among the groups gnomAD compares: East Asian, 0.0022%; no homozygotes.

Submissions (2):

Labcorp Genetics (formerly Invitae), Labcorp
Classification: Uncertain significance. Last evaluated: 2025-09-15. Review status: criteria provided, single submitter. Criteria: Invitae Variant Classification Sherloc (09022015). Collection method: clinical testing. Allele origin: germline.
Comment: This sequence change replaces alanine, which is neutral and non-polar, with threonine, which is neutral and polar, at codon 1451 of the SRCAP protein (p.Ala1451Thr). This variant is present in population databases (rs201769687, gnomAD 0.002%). This variant has not been reported in the literature in individuals affected with SRCAP-related conditions. ClinVar contains an entry for this variant (Variation ID: 3580143). Invitae Evidence Modeling of protein sequence and biophysical properties (such as structural, functional, and spatial information, amino acid conservation, physicochemical variation, residue mobility, and thermodynamic stability) indicates that this missense variant is not expected to disrupt SRCAP protein function with a negative predictive value of 80%. In summary, the available evidence is currently insufficient to determine the role of this variant in disease. Therefore, it has been classified as a Variant of Uncertain Significance.

Fulgent Genetics
Classification: Uncertain significance for Floating-Harbor syndrome; Developmental delay, hypotonia, musculoskeletal defects, and behavioral abnormalities. Last evaluated: 2024-05-08. Review status: criteria provided, single submitter. Criteria: ACMG Guidelines, 2015. Collection method: clinical testing. Allele origin: germline.